The following is an entry in ClinVar:

ClinVar aggregate classification (germline): Uncertain significance (1 of 4 stars; one submission).

Conditions:
Hereditary cancer-predisposing syndrome. Also called: Neoplastic Syndromes, Hereditary; Hereditary neoplastic syndrome; Tumor predisposition; Hereditary Cancer Syndrome. Identifiers: Orphanet 140162, MedGen C0027672, MeSH D009386, MONDO:0015356.

Submission:

Ambry Genetics
Classification: Uncertain significance for Hereditary cancer-predisposing syndrome. Last evaluated: 2026-01-15. Review status: criteria provided, single submitter. Criteria: Ambry Variant Classification Scheme 2023. Collection method: clinical testing. Allele origin: germline.
Comment: The p.H2395N variant (also known as c.7183C>A), located in coding exon 13 of the BRCA2 gene, results from a C to A substitution at nucleotide position 7183. The histidine at codon 2395 is replaced by asparagine, an amino acid with similar properties. This amino acid position is conserved. In addition, this alteration is predicted to be tolerated by in silico analysis. Based on the available evidence, the clinical significance of this variant remains unclear.

NM_000059.4(BRCA2):c.7183C>A (p.His2395Asn)

Gene: BRCA2 (BRCA2 DNA repair associated; plus strand). Cytogenetic location: 13q13.1.
Variant type: single nucleotide variant.
Coding change: c.7183C>A on transcript NM_000059.4 (MANE Select); coding-DNA position 7183, C replaced by A.
Protein change: p.His2395Asn; replaces histidine 2395 with asparagine.
Molecular consequence: missense variant. On other transcripts: non-coding transcript variant (1).
Genome position (GRCh38, 1-based): chr13:32,355,036, C>A. VCF-style: chr13-32355036-C-A. GRCh37 (hg19) VCF-style: chr13-32929173-C-A.
Other names: c.7087C>A, p.His2363Asn (NM_001406719.1); c.7183C>A, p.His2395Asn (NM_001406720.1, NM_001432077.1); c.2251C>A, p.His751Asn (NM_001406721.1); c.766C>A, p.His256Asn (NM_001406722.1); short protein forms H2395N, H2363N, H256N, H751N.
Identifiers: ClinVar variation 4824513 (VCV004824513.1).